The following is an entry in ClinVar:

NM_015267.4(CUX2):c.4108G>A (p.Gly1370Arg)

Gene: CUX2 (cut like homeobox 2; plus strand). Cytogenetic location: 12q24.12.
Variant type: single nucleotide variant.
Coding change: c.4108G>A on transcript NM_015267.4 (MANE Select); coding-DNA position 4108, G replaced by A.
Protein change: p.Gly1370Arg; replaces glycine 1370 with arginine.
Molecular consequence: missense variant.
Genome position (GRCh38, 1-based): chr12:111,347,972, G>A. VCF-style: chr12-111347972-G-A. GRCh37 (hg19) VCF-style: chr12-111785776-G-A.
Other names: c.3922G>A, p.Gly1308Arg (NM_001370598.1); short protein forms G1308R, G1370R.
Identifiers: ClinVar variation 734838 (VCV000734838.31), dbSNP rs143575822, ClinGen allele CA6789292.

ClinVar aggregate classification (germline): Conflicting classifications of pathogenicity. Review status: criteria provided, conflicting classifications (1 of 4 stars). 5 submissions from 5 submitters: Uncertain significance (1); Benign (1); Likely benign (2). 1 of the submissions does not count toward it. Last evaluated 2025-12-01.

Conditions:
CUX2-related disorder. Also called: CUX2-related condition.
Developmental and epileptic encephalopathy, 67. Also called: EPILEPTIC ENCEPHALOPATHY, EARLY INFANTILE, 67. Identifiers: MedGen C4748341, MONDO:0029138, OMIM 618141.

Allele frequency attached by ClinVar (database versions not stated): gnomAD exomes 0.00020 and 0.00032; ExAC 0.00039; 1000 Genomes Project 0.00060; 1000 Genomes Project 30x 0.00062; ESP Exome Variant Server 0.00090; gnomAD 0.00114 and 0.00124; TOPMed 0.00124.
gnomAD v4.1: 492 of 1,614,062 alleles (0.03%); highest among the groups gnomAD compares: African/African-American, 0.43%; 5 homozygotes.

Submissions (5):

CeGaT Center for Human Genetics Tuebingen
Classification: Benign. Last evaluated: 2025-12-01. Review status: criteria provided, single submitter. Criteria: CeGaT Center For Human Genetics Tuebingen Variant Classification Criteria Version 2. Collection method: clinical testing. Allele origin: germline. Affected: yes. Observed: 3 variant alleles.
Comment: CUX2: BP4, BS1, BS2

Blueprint Genetics
Classification: Likely benign. Last evaluated: 2024-11-12. Review status: criteria provided, single submitter. Criteria: ACMG Guidelines, 2015. Collection method: clinical testing. Allele origin: germline.

Center for Genomics, Ann and Robert H. Lurie Children's Hospital of Chicago
Classification: Uncertain significance for Developmental and epileptic encephalopathy, 67. Last evaluated: 2022-05-26. Review status: criteria provided, single submitter. Criteria: ACMG Guidelines, 2015. Collection method: clinical testing. Allele origin: germline.
Comment: This variant has not been reported in the literature but is present in the Genome Aggregation Database (Highest reported MAF 0.3% (85/24172). This variant is present in ClinVar (Variation ID:734838). This variant amino acid Arginine (Arg) is present in several species including multiple mammals and is not well conserved among evolutionarily distant species; this suggests that this variant may not impact the protein. Additional computational prediction tools do not suggest an impact. In summary, data on this variant is insufficient for disease classification. Therefore, the clinical significance of this variant is uncertain.

Labcorp Genetics (formerly Invitae), Labcorp
Classification: Likely benign. Last evaluated: 2019-12-31. Review status: criteria provided, single submitter. Criteria: Invitae Variant Classification Sherloc (09022015). Collection method: clinical testing. Allele origin: germline.

PreventionGenetics, part of Exact Sciences
Classification: Likely benign for CUX2-related condition. Last evaluated: 2021-06-16. Review status: no assertion criteria provided. Collection method: clinical testing. Allele origin: germline. Not counted in ClinVar's aggregate classification.
Comment: This variant is classified as likely benign based on ACMG/AMP sequence variant interpretation guidelines (Richards et al. 2015 PMID: 25741868, with internal and published modifications).